The following is an entry in ClinVar:

ClinVar aggregate classification (germline): Uncertain significance (1 of 4 stars; one submission).

Conditions:
Facioscapulohumeral muscular dystrophy 2 (FSHD2). Also called: MUSCULAR DYSTROPHY, FACIOSCAPULOHUMERAL, TYPE 1B; FACIOSCAPULOHUMERAL MUSCULAR DYSTROPHY 2, DIGENIC; FSHD2, DIGENIC. Identifiers: Orphanet 269, MedGen C1834671, MONDO:0008031, OMIM 158901.

Allele frequency attached by ClinVar (database versions not stated): TOPMed below 0.00001.

Submission:

Labcorp Genetics (formerly Invitae), Labcorp
Classification: Uncertain significance for Facioscapulohumeral muscular dystrophy 2. Last evaluated: 2021-06-28. Review status: criteria provided, single submitter. Criteria: Invitae Variant Classification Sherloc (09022015). Collection method: clinical testing. Allele origin: germline.
Comment: Algorithms developed to predict the effect of sequence changes on RNA splicing suggest that this variant may create or strengthen a splice site, but this prediction has not been confirmed by published transcriptional studies. This sequence change affects codon 1113 of the SMCHD1 mRNA. It is a 'silent' change, meaning that it does not change the encoded amino acid sequence of the SMCHD1 protein. This variant is not present in population databases (ExAC no frequency). This variant has not been reported in the literature in individuals with SMCHD1-related conditions. In summary, the available evidence is currently insufficient to determine the role of this variant in disease. Therefore, it has been classified as a Variant of Uncertain Significance.

NM_015295.3(SMCHD1):c.3339A>G (p.Gln1113=)

Gene: SMCHD1 (structural maintenance of chromosomes flexible hinge domain containing 1; plus strand). Cytogenetic location: 18p11.32.
Variant type: single nucleotide variant.
Coding change: c.3339A>G on transcript NM_015295.3 (MANE Select); coding-DNA position 3339, A replaced by G.
Protein change: p.Gln1113=; no amino-acid change (glutamine 1113 retained).
Molecular consequence: synonymous variant.
Genome position (GRCh38, 1-based): chr18:2,738,459, A>G. VCF-style: chr18-2738459-A-G. GRCh37 (hg19) VCF-style: chr18-2738457-A-G.
Identifiers: ClinVar variation 1362940 (VCV001362940.8), dbSNP rs2075291026, ClinGen allele CA502682496.
Genomic context (GRCh38, chr18:2,738,459, plus strand): 5'-TAATTGGACTCCTGAGATTAACAAAGAACACTTGCTACAGGGTCTGCTTCCTGATGTGCA[A>G]GTACCAACATCTGTAAAAGATATGCGCTATTGCCAGGTTTCATTCCAAGATGATCATGTG-3'
Protein context (NP_056110.2, residues 1103-1123): HLLQGLLPDV[Gln1113=]VPTSVKDMRY